The following is an entry in ClinVar:

ClinVar aggregate classification (germline): Uncertain significance (1 of 4 stars; one submission).

Conditions:
Hereditary cancer-predisposing syndrome. Also called: Neoplastic Syndromes, Hereditary; Tumor predisposition; Hereditary neoplastic syndrome; Hereditary Cancer Syndrome. Identifiers: Orphanet 140162, MedGen C0027672, MeSH D009386, MONDO:0015356.

Submission:

Ambry Genetics
Classification: Uncertain significance for Hereditary cancer-predisposing syndrome. Last evaluated: 2026-07-28. Review status: criteria provided, single submitter. Criteria: Ambry Variant Classification Scheme 2023. Collection method: clinical testing. Allele origin: germline.
Comment: The p.V825L variant (also known as c.2473G>C), located in coding exon 17 of the KIT gene, results from a G to C substitution at nucleotide position 2473. The valine at codon 825 is replaced by leucine, an amino acid with highly similar properties. This amino acid position is well conserved in available vertebrate species. In addition, the in silico prediction for this alteration is inconclusive. Based on the available evidence, the clinical significance of this variant remains unclear.

NM_000222.3(KIT):c.2473G>C (p.Val825Leu)

Gene: KIT (KIT proto-oncogene, receptor tyrosine kinase; plus strand). Cytogenetic location: 4q12.
Variant type: single nucleotide variant.
Coding change: c.2473G>C on transcript NM_000222.3 (MANE Select); coding-DNA position 2473, G replaced by C.
Protein change: p.Val825Leu; replaces valine 825 with leucine.
Molecular consequence: missense variant.
Genome position (GRCh38, 1-based): chr4:54,733,181, G>C. VCF-style: chr4-54733181-G-C. GRCh37 (hg19) VCF-style: chr4-55599347-G-C.
Other names: c.2461G>C, p.Val821Leu (NM_001093772.2, NM_001385292.1); c.2476G>C, p.Val826Leu (NM_001385284.1); c.2470G>C, p.Val824Leu (NM_001385285.1); c.2458G>C, p.Val820Leu (NM_001385286.1); c.2464G>C, p.Val822Leu (NM_001385288.1); c.2473G>C, p.Val825Leu (NM_001385290.1); short protein forms V822L, V824L, V825L, V820L, V821L, V826L.
Identifiers: ClinVar variation 5023326 (VCV005023326.1).
Genomic context (GRCh38, chr4:54,733,181, plus strand): 5'-ATCACAAAGATTTGTGATTTTGGTCTAGCCAGAGACATCAAGAATGATTCTAATTATGTG[G>C]TTAAAGGAAACGTGAGTACCCATTCTCTGCTTGACAGTCCTGCAAAGGATTTTTAGTTTC-3'
Protein context (NP_000213.1, residues 815-835): RDIKNDSNYV[Val825Leu]KGNARLPVKW